The following is an entry in ClinVar:

ClinVar aggregate classification (germline): Uncertain significance. Review status: criteria provided, multiple submitters, no conflicts (2 of 4 stars). 3 submissions from 3 submitters: Uncertain significance (3). Last evaluated 2024-10-07.

Conditions:
Kabuki syndrome. Also called: NIIKAWA-KUROKI SYNDROME; Kabuki make-up syndrome. Identifiers: Orphanet 2322, MedGen C0796004, MONDO:0016512.
Kabuki syndrome 1 (KABUK1). Also called: KMT2D-Related Kabuki Syndrome. Identifiers: Orphanet 2322, MedGen CN030661, MONDO:0007843, OMIM 147920.

Allele frequency attached by ClinVar (database versions not stated): gnomAD exomes below 0.00001; TOPMed below 0.00001.
gnomAD v4.1: 1 of 1,612,010 alleles (0.000062%); highest among the groups gnomAD compares: South Asian, 0.0011%; no homozygotes.

Submissions (3):

Labcorp Genetics (formerly Invitae), Labcorp
Classification: Uncertain significance for Kabuki syndrome. Last evaluated: 2024-10-07. Review status: criteria provided, single submitter. Criteria: Invitae Variant Classification Sherloc (09022015). Collection method: clinical testing. Allele origin: germline.
Comment: This sequence change replaces arginine, which is basic and polar, with glutamine, which is neutral and polar, at codon 2701 of the KMT2D protein (p.Arg2701Gln). This variant is not present in population databases (gnomAD no frequency). This variant has not been reported in the literature in individuals affected with KMT2D-related conditions. ClinVar contains an entry for this variant (Variation ID: 1313742). Invitae Evidence Modeling of protein sequence and biophysical properties (such as structural, functional, and spatial information, amino acid conservation, physicochemical variation, residue mobility, and thermodynamic stability) has been performed for this missense variant. However, the output from this modeling did not meet the statistical confidence thresholds required to predict the impact of this variant on KMT2D protein function. In summary, the available evidence is currently insufficient to determine the role of this variant in disease. Therefore, it has been classified as a Variant of Uncertain Significance.

New York Genome Center
Classification: Uncertain significance for Kabuki syndrome 1. Last evaluated: 2021-08-20. Review status: criteria provided, single submitter. Criteria: NYGC Assertion Criteria 2020. Collection method: clinical testing. Allele origin: inherited. Observed: 1 heterozygote. Study: CSER-NYCKidSeq.

GeneDx
Classification: Uncertain significance. Last evaluated: 2021-08-10. Review status: criteria provided, single submitter. Criteria: GeneDx Variant Classification Process June 2021. Collection method: clinical testing. Allele origin: germline. Affected: yes.
Comment: Has not been previously published as pathogenic or benign to our knowledge; Not observed in large population cohorts (Lek et al., 2016); In silico analysis supports that this missense variant has a deleterious effect on protein structure/function

NM_003482.4(KMT2D):c.8102G>A (p.Arg2701Gln)

Gene: KMT2D (lysine methyltransferase 2D; minus strand). Cytogenetic location: 12q13.12.
Variant type: single nucleotide variant.
Coding change: c.8102G>A on transcript NM_003482.4 (MANE Select); coding-DNA position 8102, G replaced by A.
Protein change: p.Arg2701Gln; replaces arginine 2701 with glutamine.
Molecular consequence: missense variant.
Genome position (GRCh38, 1-based): chr12:49,039,562, C>T on the plus strand (G>A on the coding strand, the complement: KMT2D is on the minus strand). VCF-style: chr12-49039562-C-T. GRCh37 (hg19) VCF-style: chr12-49433345-C-T.
Other names: short protein forms R2701Q.
Identifiers: ClinVar variation 1313742 (VCV001313742.6), dbSNP rs1943386777, ClinGen allele CA384744143.
Genomic context (GRCh38, chr12:49,039,562, plus strand): 5'-CCCCAGCTGCCTGGAGGCCCCACTGCTCCTGCAGCTGCTGCAGCTGTTTCCTTCTCCTGC[C>T]GCAGGGTGTTGCGCTGGATCTGCTGCCGAATCAGCAGCTCTCGTAGTCGCTGGCGCTATG-3'
Protein context (NP_003473.3, residues 2691-2711): IRQQIQRNTL[Arg2701Gln]QEKETAAAAA